The following is an entry in ClinVar:

ClinVar aggregate classification (germline): Uncertain significance. Review status: criteria provided, single submitter (1 of 4 stars). 2 submissions from 2 submitters: Uncertain significance (1). 1 of the submissions does not count toward it. Last evaluated 2024-10-22.

Conditions:
Neuronal ceroid lipofuscinosis. Also called: Neuronal Ceroid Lipofuscinoses. Identifiers: Orphanet 216, Orphanet 79263, MedGen C0027877, MONDO:0016295. Disease mechanism: loss of function.
Neuronal ceroid lipofuscinosis 3 (CLN3). Identifiers: Orphanet 228346, MedGen C0751383, MONDO:0008767, OMIM 204200.

Submissions (2):

Labcorp Genetics (formerly Invitae), Labcorp
Classification: Uncertain significance for Neuronal ceroid lipofuscinosis. Last evaluated: 2024-10-22. Review status: criteria provided, single submitter. Criteria: Invitae Variant Classification Sherloc (09022015). Collection method: clinical testing. Allele origin: germline.
Comment: This sequence change falls in intron 4 of the CLN3 gene. It does not directly change the encoded amino acid sequence of the CLN3 protein. It affects a nucleotide within the consensus splice site. This variant is not present in population databases (gnomAD no frequency). This variant has been observed in individual(s) with neuronal ceroid lipofuscinosis type 3 (PMID: 21990111). ClinVar contains an entry for this variant (Variation ID: 56260). Variants that disrupt the consensus splice site are a relatively common cause of aberrant splicing (PMID: 17576681, 9536098). Algorithms developed to predict the effect of sequence changes on RNA splicing suggest that this variant may disrupt the consensus splice site. In summary, the available evidence is currently insufficient to determine the role of this variant in disease. Therefore, it has been classified as a Variant of Uncertain Significance.

Juha Muilu Group; Institute for Molecular Medicine Finland (FIMM)
Classification: Likely pathogenic for Juvenile neuronal ceroid lipofuscinosis. Review status: no assertion criteria provided. Collection method: not provided. Allele origin: unknown. Not counted in ClinVar's aggregate classification.
Comment: FinDis database variant: This variant was not found or characterized by our laboratory, data were collected from public sources: see reference
ClinVar note: Converted during submission from probable-pathogenic to Likely pathogenic.

Literature cited by the submitters: PubMed 21990111 (cited by Labcorp Genetics (formerly Invitae), Labcorp); PubMed 17576681 (cited by Labcorp Genetics (formerly Invitae), Labcorp); PubMed 9536098 (cited by Labcorp Genetics (formerly Invitae), Labcorp).

NM_001042432.2(CLN3):c.222+5G>C

Gene: CLN3 (CLN3 lysosomal/endosomal transmembrane protein, battenin; minus strand). Cytogenetic location: 16p12.1.
Variant type: single nucleotide variant.
Coding change: c.222+5G>C on transcript NM_001042432.2 (MANE Select); 5 bases into the intron after coding-DNA position 222, G replaced by C.
Molecular consequence: intron variant.
Genome position (GRCh38, 1-based): chr16:28,489,285, C>G on the plus strand (G>C on the coding strand, the complement: CLN3 is on the minus strand). VCF-style: chr16-28489285-C-G. GRCh37 (hg19) VCF-style: chr16-28500606-C-G.
Other names: c.60+5G>C (NM_001286109.2, NM_001286110.2); c.222+5G>C (NM_001286104.2, NM_000086.2); c.2+5G>C (NM_001286105.2).
Identifiers: ClinVar variation 56260 (VCV000056260.6), dbSNP rs386833711, ClinGen allele CA263648.